The following is an entry in ClinVar:

ClinVar aggregate classification (germline): Pathogenic/Likely pathogenic. Review status: criteria provided, multiple submitters, no conflicts (2 of 4 stars). 11 submissions from 10 submitters: Pathogenic (6); Likely pathogenic (3). 2 of the submissions do not count toward it. Last evaluated 2026-01-12.

Conditions:
Usher syndrome. Also called: Usher Syndromes; Usher's syndrome. Identifiers: Orphanet 886, MedGen CN469326, MeSH D052245, MONDO:0019501. Disease mechanism: loss of function.
Usher syndrome type 2A. Also called: RETINAL DISEASE IN USHER SYNDROME TYPE IIA, MODIFIER OF; USHER SYNDROME, TYPE IIA. Identifiers: Orphanet 231178, Orphanet 886, MedGen C1848634, MONDO:0010169, OMIM 276901.
Retinitis pigmentosa 39 (RP39). Identifiers: Orphanet 791, MedGen C3151138, MONDO:0013436, OMIM 613809.
USH2A-related disorder. Also called: USH2A-related disorders; USH2A-related condition. Identifiers: MedGen CN239332.

Allele frequency attached by ClinVar (database versions not stated): gnomAD exomes 0.00001 and 0.00002; TOPMed 0.00001; gnomAD 0.00003.
gnomAD v4.1: 7 of 1,612,708 alleles (0.00043%); highest among the groups gnomAD compares: Admixed American, 0.012%; no homozygotes.

Submissions (11):

Labcorp Genetics (formerly Invitae), Labcorp
Classification: Pathogenic. Last evaluated: 2026-01-12. Review status: criteria provided, single submitter. Criteria: Invitae Variant Classification Sherloc (09022015). Collection method: clinical testing. Allele origin: germline.
Comment: This sequence change replaces glycine, which is neutral and non-polar, with arginine, which is basic and polar, at codon 1723 of the USH2A protein (p.Gly1723Arg). This variant also falls at the last nucleotide of exon 25, which is part of the consensus splice site for this exon. The frequency data for this variant in the population databases is considered unreliable, as metrics indicate poor data quality at this position in the gnomAD database. This missense change has been observed in individuals with USH2A-related conditions (PMID: 24944099, 25404053, 26667666). ClinVar contains an entry for this variant (Variation ID: 552599). An algorithm developed to predict the effect of missense changes on protein structure and function (PolyPhen-2) suggests that this variant is likely to be disruptive. Variants that disrupt the consensus splice site are a relatively common cause of aberrant splicing (PMID: 17576681, 9536098). Algorithms developed to predict the effect of sequence changes on RNA splicing suggest that this variant may disrupt the consensus splice site. For these reasons, this variant has been classified as Pathogenic.

GeneDx
Classification: Pathogenic. Last evaluated: 2025-12-17. Review status: criteria provided, single submitter. Criteria: GeneDx Variant Classification Process June 2021. Collection method: clinical testing. Allele origin: germline.
Comment: RNA studies demonstrate this variant leads to in-frame skipping of exon 25 and out-of-frame co-skipping of exons 25 and 26 (PMID: 36362125); In silico analysis supports that this missense variant has a deleterious effect on protein structure/function; This variant is associated with the following publications: (PMID: 31589614, 26667666, 25404053, 31964843, 24944099, 36362125)

Natera, Inc.
Classification: Pathogenic for Usher syndrome type 2A. Last evaluated: 2025-09-22. Review status: criteria provided, single submitter. Criteria: Natera Variant Classification Schema (03/2026). Collection method: clinical testing. Allele origin: germline.
Comment: The c.5167G>C variant in USH2A is a missense variant predicted to cause substitution of glycine to arginine at amino acid 1723. This variant is rare in the general population with a frequency below the threshold expected for the associated phenotype(s). This variant has been observed in one or more individuals affected with the associated recessive disease, as either homozygous or compound heterozygous with a second variant (PMID: 24944099). Functional studies show that this variant may disrupt protein function (PMID: 36362125). Computational prediction algorithms indicate this variant is likely to affect gene or protein function. Given the available evidence, this variant is classified as Pathogenic.

Women's Health and Genetics/Laboratory Corporation of America, LabCorp
Classification: Pathogenic for Usher syndrome. Last evaluated: 2024-08-19. Review status: criteria provided, single submitter. Criteria: LabCorp Variant Classification Summary - May 2015. Collection method: clinical testing. Allele origin: germline.
Comment: Variant summary: USH2A c.5167G>C (p.Gly1723Arg) results in a non-conservative amino acid change located in the Laminin G domain (IPR001791) of the encoded protein sequence. Five of five in-silico tools predict a damaging effect of the variant on protein function. Several computational tools predict a significant impact on normal splicing: Three predict the variant abolishes a 5' splicing donor site. One predicts the variant weakens a 5' donor site. At least one publication reports experimental minigene evidence that this variant affects mRNA splicing (example, Reurink_2022). The variant allele was found at a frequency of 1.6e-05 in 250262 control chromosomes. c.5167G>C has been reported in the literature in the presumed or confirmed compound heterozygous state in multiple individuals affected with Usher Syndrome or retinitis pigmentosa (example, Aparisi_2014, Baux_2014, Ge_2015), including multiple individuals with a pathogenic variant in trans. These data indicate that the variant is likely to be associated with disease. The following publications have been ascertained in the context of this evaluation (PMID: 25404053, 24944099, 26667666, 36362125). ClinVar contains an entry for this variant (Variation ID: 552599). Based on the evidence outlined above, the variant was classified as pathogenic.

Fulgent Genetics
Classification: Likely pathogenic for Usher syndrome type 2A; Retinitis pigmentosa 39. Last evaluated: 2024-04-12. Review status: criteria provided, single submitter. Criteria: ACMG Guidelines, 2015. Collection method: clinical testing. Allele origin: germline.

Baylor Genetics
Classification: Pathogenic for Retinitis pigmentosa 39. Last evaluated: 2024-03-16. Review status: criteria provided, single submitter. Criteria: ACMG Guidelines, 2015. Collection method: clinical testing. Allele origin: unknown.

Genome-Nilou Lab
Classification: Likely pathogenic for Retinitis pigmentosa 39. Last evaluated: 2023-11-04. Review status: criteria provided, single submitter. Criteria: ACMG Guidelines, 2015. Collection method: clinical testing. Allele origin: germline. Affected: no.

Genome-Nilou Lab
Classification: Likely pathogenic for Usher syndrome type 2A. Last evaluated: 2023-11-04. Review status: criteria provided, single submitter. Criteria: ACMG Guidelines, 2015. Collection method: clinical testing. Allele origin: germline. Affected: no.

Blueprint Genetics
Classification: Pathogenic for USH2A-related disorders. Last evaluated: 2022-03-14. Review status: criteria provided, single submitter. Criteria: ACMG Guidelines, 2015. Collection method: clinical testing. Allele origin: germline. Affected: yes. Observed: 5 variant alleles.

PreventionGenetics, part of Exact Sciences
Classification: Pathogenic for USH2A-related condition. Last evaluated: 2023-12-12. Review status: no assertion criteria provided. Collection method: clinical testing. Allele origin: germline. Not counted in ClinVar's aggregate classification.
Comment: The USH2A c.5167G>C variant is predicted to result in the amino acid substitution p.Gly1723Arg. This variant has been reported in the heterozygous state along with other USH2A loss-of-function variants in multiple individuals with Usher syndrome or retinitis pigmentosa (Table S1, Baux et al. 2014. PubMed ID: 24944099, Table 3, Aparisi et al. 2014. PubMed ID: 25404053; Table 1, Ge et al. 2015. PubMed ID: 26667666). This variant is reported in 0.014% of alleles in individuals of Latino descent in gnomAD. An in vitro experimental study suggests this variant weakens the canonical splice donor site leading to the skipping of exon 25 and/or 26 (Table 2, Reurink et al. 2022. PubMed ID: 36362125). This variant is interpreted as pathogenic.

Counsyl
Classification: Likely pathogenic for Usher syndrome type 2A; Retinitis pigmentosa 39. Last evaluated: 2017-06-23. Review status: no assertion criteria provided. Collection method: clinical testing. Allele origin: unknown. Not counted in ClinVar's aggregate classification.

Literature cited by the submitters: PubMed 24944099 (cited by 4 submitters); PubMed 25404053 (cited by 3 submitters); PubMed 26667666 (cited by 3 submitters); PubMed 17576681 (cited by Labcorp Genetics (formerly Invitae), Labcorp); PubMed 9536098 (cited by Labcorp Genetics (formerly Invitae), Labcorp); PubMed 36362125 (cited by Natera, Inc. and Women's Health and Genetics/Laboratory Corporation of America, LabCorp).

NM_206933.4(USH2A):c.5167G>C (p.Gly1723Arg)

Genes: USH2A (usherin; minus strand), USH2A-AS2 (USH2A antisense RNA 2; plus strand). Cytogenetic location: 1q41.
Variant type: single nucleotide variant.
Coding change: c.5167G>C on transcript NM_206933.4 (MANE Select); coding-DNA position 5167, G replaced by C.
Protein change: p.Gly1723Arg; replaces glycine 1723 with arginine.
Molecular consequence: missense variant.
Genome position (GRCh38, 1-based): chr1:216,084,698, C>G on the plus strand (G>C on the coding strand, the complement: USH2A is on the minus strand). VCF-style: chr1-216084698-C-G. GRCh37 (hg19) VCF-style: chr1-216258040-C-G.
Other names: short protein forms G1723R.
Identifiers: ClinVar variation 552599 (VCV000552599.25), dbSNP rs1342455785, ClinGen allele CA344858668.